The following is an entry in ClinVar:

ClinVar aggregate classification (germline): Benign (1 of 4 stars; one submission).

Conditions:
Macular corneal dystrophy (MCD). Also called: GROENOUW TYPE II CORNEAL DYSTROPHY; Macular corneal dystrophy Type I. Identifiers: Orphanet 98969, MedGen C1636149, MONDO:0009020, OMIM 217800.

Allele frequency attached by ClinVar (database versions not stated): gnomAD exomes 0.00491; TOPMed 0.00498; gnomAD 0.00621 and 0.00680; 1000 Genomes Project 30x 0.00874; 1000 Genomes Project 0.00978.
gnomAD v4.1: 1,098 of 162,084 alleles (0.68%); highest among the groups gnomAD compares: South Asian, 2.3%; 10 homozygotes.

Submission:

Illumina Laboratory Services, Illumina
Classification: Benign for Macular corneal dystrophy. Last evaluated: 2018-01-12. Review status: criteria provided, single submitter. Criteria: ICSL Variant Classification Criteria 13 December 2019. Collection method: clinical testing. Allele origin: germline.
Comment: This variant was observed in the ICSL laboratory as part of a predisposition screen in an ostensibly healthy population. It had not been previously curated by ICSL or reported in the Human Gene Mutation Database (HGMD: prior to June 1st, 2018), and was therefore a candidate for classification through an automated scoring system. Utilizing variant allele frequency, disease prevalence and penetrance estimates, and inheritance mode, an automated score was calculated to assess if this variant is too frequent to cause the disease. Based on the score and internal cut-off values, a variant classified as benign is not then subjected to further curation. The score for this variant resulted in a classification of benign for this disease.

NM_021615.5(CHST6):c.*606G>A

Gene: CHST6 (carbohydrate sulfotransferase 6; minus strand). Cytogenetic location: 16q23.1.
Variant type: single nucleotide variant.
Coding change: c.*606G>A on transcript NM_021615.5 (MANE Select); 606 bases downstream of the stop codon, G replaced by A.
Molecular consequence: 3 prime UTR variant.
Genome position (GRCh38, 1-based): chr16:75,478,035, C>T on the plus strand (G>A on the coding strand, the complement: CHST6 is on the minus strand). VCF-style: chr16-75478035-C-T. GRCh37 (hg19) VCF-style: chr16-75511933-C-T.
Identifiers: ClinVar variation 320590 (VCV000320590.5), dbSNP rs117741124, ClinGen allele CA10648984.